The following is an entry in ClinVar:

NM_001130144.3(LTBP3):c.3518A>G (p.Gln1173Arg)

Gene: LTBP3 (latent transforming growth factor beta binding protein 3; minus strand). Cytogenetic location: 11q13.1.
Variant type: single nucleotide variant.
Coding change: c.3518A>G on transcript NM_001130144.3 (MANE Select); coding-DNA position 3518, A replaced by G.
Protein change: p.Gln1173Arg; replaces glutamine 1173 with arginine.
Molecular consequence: missense variant.
Genome position (GRCh38, 1-based): chr11:65,539,749, T>C on the plus strand (A>G on the coding strand, the complement: LTBP3 is on the minus strand). VCF-style: chr11-65539749-T-C. GRCh37 (hg19) VCF-style: chr11-65307220-T-C.
Other names: c.3026A>G, p.Gln1009Arg (NM_001164266.1); c.3377A>G, p.Gln1126Arg (NM_021070.4); short protein forms Q1173R, Q1009R, Q1126R.
Identifiers: ClinVar variation 2896221 (VCV002896221.3), dbSNP rs1238066451, ClinGen allele CA381266709.

ClinVar aggregate classification (germline): Uncertain significance (1 of 4 stars; one submission).

Conditions:
Brachyolmia-amelogenesis imperfecta syndrome. Also called: Tooth agenesis, selective, 6; Dental anomalies and short stature; PLATYSPONDYLY WITH AMELOGENESIS IMPERFECTA. Identifiers: Orphanet 2899, MedGen C1832594, MONDO:0011018, OMIM 601216. Disease mechanism: loss of function.

Allele frequency attached by ClinVar (database versions not stated): gnomAD exomes below 0.00001; gnomAD 0.00001.
gnomAD v4.1: 3 of 1,545,052 alleles (0.00019%); highest among the groups gnomAD compares: Admixed American, 0.0019%; no homozygotes.

Submission:

Labcorp Genetics (formerly Invitae), Labcorp
Classification: Uncertain significance for Brachyolmia-amelogenesis imperfecta syndrome. Last evaluated: 2025-01-21. Review status: criteria provided, single submitter. Criteria: Invitae Variant Classification Sherloc (09022015). Collection method: clinical testing. Allele origin: germline.
Comment: This sequence change replaces glutamine, which is neutral and polar, with arginine, which is basic and polar, at codon 1173 of the LTBP3 protein (p.Gln1173Arg). The frequency data for this variant in the population databases is considered unreliable, as metrics indicate poor data quality at this position in the gnomAD database. This variant has not been reported in the literature in individuals affected with LTBP3-related conditions. ClinVar contains an entry for this variant (Variation ID: 2896221). An algorithm developed to predict the effect of missense changes on protein structure and function (PolyPhen-2) suggests that this variant is likely to be disruptive. In summary, the available evidence is currently insufficient to determine the role of this variant in disease. Therefore, it has been classified as a Variant of Uncertain Significance.